The following is an entry in ClinVar:

ClinVar aggregate classification (germline): Conflicting classifications of pathogenicity. Review status: criteria provided, conflicting classifications (1 of 4 stars). 3 submissions from 3 submitters: Uncertain significance (2); Likely benign (1). Last evaluated 2024-11-18.

Conditions:
Genitopatellar syndrome (GTPTS). Also called: Genitopatellar syndrome (GPS); ABSENT PATELLAE, SCROTAL HYPOPLASIA, RENAL ANOMALIES, FACIAL DYSMORPHISM, AND MENTAL RETARDATION. Identifiers: Orphanet 85201, MedGen C1853566, MONDO:0011640, OMIM 606170.

gnomAD v4.1: 1 of 1,614,114 alleles (0.000062%); highest among the groups gnomAD compares: Non-Finnish European, 0.000085%; no homozygotes.

Submissions (3):

Labcorp Genetics (formerly Invitae), Labcorp
Classification: Likely benign for Genitopatellar syndrome. Last evaluated: 2024-11-18. Review status: criteria provided, single submitter. Criteria: Invitae Variant Classification Sherloc (09022015). Collection method: clinical testing. Allele origin: germline.

Laboratory for Molecular Medicine, Mass General Brigham Personalized Medicine
Classification: Uncertain significance. Last evaluated: 2020-03-03. Review status: criteria provided, single submitter. Criteria: LMM Criteria. Collection method: clinical testing. Allele origin: germline. Observed: 2 variant alleles.
Comment: Variant classified as Uncertain Significance - Favor Benign. This variant was absent from large population studies. Computational prediction tools suggest that this variant may not impact the protein, though this information is not predictive enough to rule out pathogenicity. In summary, while the clinical significance of the p.Thr1988Ala variant is uncertain, these data suggest that it is more likely to be benign. ACMG/AMP Criteria applied: PM2, BP4.

GeneDx
Classification: Uncertain significance. Last evaluated: 2019-10-11. Review status: criteria provided, single submitter. Criteria: GeneDx Variant Classification Process June 2021. Collection method: clinical testing. Allele origin: germline. Affected: yes.
Comment: Not observed in large population cohorts (Lek et al., 2016); In silico analysis, which includes protein predictors and evolutionary conservation, supports a deleterious effect; Has not been previously published as pathogenic or benign to our knowledge

NM_012330.4(KAT6B):c.5962A>G (p.Thr1988Ala)

Gene: KAT6B (lysine acetyltransferase 6B; plus strand). Cytogenetic location: 10q22.2.
Variant type: single nucleotide variant.
Coding change: c.5962A>G on transcript NM_012330.4 (MANE Select); coding-DNA position 5962, A replaced by G.
Protein change: p.Thr1988Ala; replaces threonine 1988 with alanine.
Molecular consequence: missense variant.
Genome position (GRCh38, 1-based): chr10:75,030,786, A>G. VCF-style: chr10-75030786-A-G. GRCh37 (hg19) VCF-style: chr10-76790544-A-G.
Other names: c.5413A>G, p.Thr1805Ala (NM_001256468.2, NM_001370138.1); c.5086A>G, p.Thr1696Ala (NM_001256469.2, NM_001370139.1, NM_001370140.1 and 2 more transcripts); c.4924A>G, p.Thr1642Ala (NM_001370132.1); c.4273A>G, p.Thr1425Ala (NM_001370133.1); c.3877A>G, p.Thr1293Ala (NM_001370134.1); c.3619A>G, p.Thr1207Ala (NM_001370135.1); c.5962A>G, p.Thr1988Ala (NM_001370136.1, NM_001370137.1); c.4897A>G, p.Thr1633Ala (NM_001370143.1, NM_001370144.1); short protein forms T1805A, T1293A, T1988A, T1207A, T1642A, T1425A, T1633A, T1696A.
Identifiers: ClinVar variation 930075 (VCV000930075.8), dbSNP rs1846260900, ClinGen allele CA377302634.